The following is an entry in ClinVar:

NM_000179.3(MSH6):c.3801+19T>C

Gene: MSH6 (mutS homolog 6; plus strand). Cytogenetic location: 2p16.3.
Variant type: single nucleotide variant.
Coding change: c.3801+19T>C on transcript NM_000179.3 (MANE Select); 19 bases into the intron after coding-DNA position 3801, T replaced by C.
Molecular consequence: intron variant.
Genome position (GRCh38, 1-based): chr2:47,806,377, T>C. VCF-style: chr2-47806377-T-C. GRCh37 (hg19) VCF-style: chr2-48033516-T-C.
Other names: c.2895+19T>C (NM_001281493.2, NM_001281494.2); c.3411+19T>C (NM_001281492.2).
Identifiers: ClinVar variation 383351 (VCV000383351.11), dbSNP rs778693654, ClinGen allele CA072047.
Genomic context (GRCh38, chr2:47,806,377, plus strand): 5'-GAAGATTATTCTCAAAATGTTGCTGTGCGCCTAGGACATATGGTATGTGCAAATTGTTTT[T>C]TTCCACAAATTCGGTTTTTTGAGAGGGCACTTCTCTTGCTAGCACATGTATCGCTAATAT-3'

ClinVar aggregate classification (germline): Likely benign. Review status: criteria provided, multiple submitters, no conflicts (2 of 4 stars). 3 submissions from 3 submitters: Likely benign (3). Last evaluated 2026-01-06.

Conditions:
Hereditary cancer-predisposing syndrome. Also called: Hereditary Cancer Syndrome; Hereditary neoplastic syndrome; Neoplastic Syndromes, Hereditary; Tumor predisposition. Identifiers: Orphanet 140162, MedGen C0027672, MeSH D009386, MONDO:0015356.
Hereditary nonpolyposis colorectal neoplasms. Identifiers: MedGen C0009405, MeSH D003123.

Allele frequency attached by ClinVar (database versions not stated): ExAC 0.00001; gnomAD 0.00001; gnomAD exomes 0.00001; TOPMed 0.00001.

Submissions (3):

Labcorp Genetics (formerly Invitae), Labcorp
Classification: Likely benign for Hereditary nonpolyposis colorectal neoplasms. Last evaluated: 2026-01-06. Review status: criteria provided, single submitter. Criteria: Invitae Variant Classification Sherloc (09022015). Collection method: clinical testing. Allele origin: germline.

Color Diagnostics, LLC DBA Color Health
Classification: Likely benign for Hereditary cancer-predisposing syndrome. Last evaluated: 2017-10-20. Review status: criteria provided, single submitter. Criteria: ACMG Guidelines, 2015. Collection method: clinical testing. Allele origin: germline.

GeneDx
Classification: Likely benign. Last evaluated: 2016-01-22. Review status: criteria provided, single submitter. Criteria: GeneDx Variant Classification (06012015). Collection method: clinical testing. Allele origin: germline. Affected: yes.
Comment: This variant is considered likely benign or benign based on one or more of the following criteria: it is a conservative change, it occurs at a poorly conserved position in the protein, it is predicted to be benign by multiple in silico algorithms, and/or has population frequency not consistent with disease.